The following is an entry in ClinVar:

ClinVar aggregate classification (germline): Pathogenic (1 of 4 stars; one submission).

Submission:

Labcorp Genetics (formerly Invitae), Labcorp
Classification: Pathogenic. Last evaluated: 2025-08-04. Review status: criteria provided, single submitter. Criteria: Invitae Variant Classification Sherloc (09022015). Collection method: clinical testing. Allele origin: germline.
Comment: This sequence change creates a premature translational stop signal (p.Lys23Argfs*64) in the CARMIL2 gene. It is expected to result in an absent or disrupted protein product. Loss-of-function variants in CARMIL2 are known to be pathogenic (PMID: 27647349, 28112205). This variant is not present in population databases (gnomAD no frequency). This variant has not been reported in the literature in individuals affected with CARMIL2-related conditions. ClinVar contains an entry for this variant (Variation ID: 3642815). For these reasons, this variant has been classified as Pathogenic.

Literature cited by the submitters: PubMed 27647349; PubMed 28112205.

NM_001013838.3(CARMIL2):c.68_69del (p.Lys23fs)

Gene: CARMIL2 (capping protein regulator and myosin 1 linker 2; plus strand). Cytogenetic location: 16q22.1.
Variant type: Deletion.
Coding change: c.68_69del on transcript NM_001013838.3 (MANE Select); coding-DNA positions 68 to 69, 2 bases deleted (AA; older notation c.68_69delAA).
Protein change: p.Lys23fs; shifts the reading frame from lysine 23.
Molecular consequence: frameshift variant.
Genome position (GRCh38, 1-based): chr16:67,645,567-67,645,568, AA deleted; deleting any 2 consecutive bases within chr16:67,645,566-67,645,568 gives the same sequence; the c. name uses the placement nearest the transcript's 3' end. VCF-style (leftmost placement, unchanged base first): chr16-67645565-CAA-C. GRCh37 (hg19) VCF-style: chr16-67679468-CAA-C.
Other names: c.68_69del, p.Lys23fs (NM_001317026.3); short protein forms K23fs.
Identifiers: ClinVar variation 3642815 (VCV003642815.2).
Genomic context (GRCh38, chr16:67,645,565, plus strand): 5'-GGACTGAAGTCACCCAGCAGGCTGCCCTTCCACAGGCGAGATCACCAGGTTCCTGTGGCC[CAA>C]AGAGGTGGAGCTGCTGCTGAAAACCTGGCTACCCGGGGAGGGTGCTGTGCAAAACCATGT-3'